The following is an entry in ClinVar:

ClinVar aggregate classification (germline): Uncertain significance (1 of 4 stars; one submission).

Conditions:
Neurofibromatosis, type 1 (NF1). Also called: VON RECKLINGHAUSEN DISEASE; Peripheral type neurofibromatosis; NEUROFIBROMATOSIS, TYPE I, SOMATIC; Neurofibromatosis, type I. Identifiers: Orphanet 636, MedGen C0027831, MONDO:0018975, OMIM 162200. Disease mechanism: loss of function.

gnomAD v4.1: 1 of 1,613,790 alleles (0.000062%); highest among the groups gnomAD compares: South Asian, 0.0011%; no homozygotes.

Submission:

Labcorp Genetics (formerly Invitae), Labcorp
Classification: Uncertain significance for Neurofibromatosis, type 1. Last evaluated: 2024-06-19. Review status: criteria provided, single submitter. Criteria: Invitae Variant Classification Sherloc (09022015). Collection method: clinical testing. Allele origin: germline.
Comment: This sequence change replaces histidine, which is basic and polar, with tyrosine, which is neutral and polar, at codon 2670 of the NF1 protein (p.His2670Tyr). This variant is not present in population databases (gnomAD no frequency). This variant has not been reported in the literature in individuals affected with NF1-related conditions. Advanced modeling of protein sequence and biophysical properties (such as structural, functional, and spatial information, amino acid conservation, physicochemical variation, residue mobility, and thermodynamic stability) performed at Invitae indicates that this missense variant is not expected to disrupt NF1 protein function with a negative predictive value of 95%. In summary, the available evidence is currently insufficient to determine the role of this variant in disease. Therefore, it has been classified as a Variant of Uncertain Significance.

NM_001042492.3(NF1):c.8071C>T (p.His2691Tyr)

Gene: NF1 (neurofibromin 1; plus strand). Cytogenetic location: 17q11.2.
Variant type: single nucleotide variant.
Coding change: c.8071C>T on transcript NM_001042492.3 (MANE Select); coding-DNA position 8071, C replaced by T.
Protein change: p.His2691Tyr; replaces histidine 2691 with tyrosine.
Molecular consequence: missense variant.
Genome position (GRCh38, 1-based): chr17:31,358,580, C>T. VCF-style: chr17-31358580-C-T. GRCh37 (hg19) VCF-style: chr17-29685598-C-T.
Other names: c.8008C>T, p.His2670Tyr (NM_000267.4); short protein forms H2691Y, H2670Y.
Identifiers: ClinVar variation 3634609 (VCV003634609.2).